The following is an entry in ClinVar:

NM_000257.4(MYH7):c.3727-15T>A

Gene: MYH7 (myosin heavy chain 7; minus strand). Cytogenetic location: 14q11.2.
Variant type: single nucleotide variant.
Coding change: c.3727-15T>A on transcript NM_000257.4 (MANE Select); 15 bases into the intron before coding-DNA position 3727, T replaced by A.
Molecular consequence: intron variant.
Genome position (GRCh38, 1-based): chr14:23,419,624, A>T on the plus strand (T>A on the coding strand, the complement: MYH7 is on the minus strand). VCF-style: chr14-23419624-A-T. GRCh37 (hg19) VCF-style: chr14-23888833-A-T.
Other names: c.3727-15T>A (NM_001407004.1).
Identifiers: ClinVar variation 3022908 (VCV003022908.5), dbSNP rs1892384621, ClinGen allele CA2123445577.

ClinVar aggregate classification (germline): Likely benign. Review status: criteria provided, multiple submitters, no conflicts (2 of 4 stars). 3 submissions from 3 submitters: Likely benign (2). 1 of the submissions does not count toward it. Last evaluated 2024-07-20.

Conditions:
Hypertrophic cardiomyopathy. Also called: HYPERTROPHIC MYOCARDIOPATHY. Identifiers: Orphanet 217569, MedGen C0007194, MeSH D002312, MONDO:0005045, HP:0001639.
Hypertrophic cardiomyopathy 2. Also called: TNNT2-Related Familial Hypertrophic Cardiomyopathy. Identifiers: MedGen C1861864, MONDO:0007266, OMIM 115195.
Cardiomyopathy (CMYO). Also called: Cardiomyopathies. Identifiers: Orphanet 167848, MedGen C0878544, MONDO:0004994, HP:0001638. Inheritance: Various modes of inheritance.

Allele frequency attached by ClinVar (database versions not stated): gnomAD exomes 0.00001.
gnomAD v4.1: 9 of 1,598,336 alleles (0.00056%); highest among the groups gnomAD compares: Non-Finnish European, 0.00077%; no homozygotes.

Submissions (3):

All of Us Research Program, National Institutes of Health
Classification: Likely benign for Cardiomyopathy. Last evaluated: 2024-07-20. Review status: criteria provided, single submitter. Criteria: ACMG Guidelines, 2015. Collection method: clinical testing. Allele origin: germline. Inheritance: Autosomal dominant inheritance. Observed: 1 variant allele, 1 heterozygote.
Comment: This study involves interpretation of variants in research participants for the purpose of population health screening. Participant phenotype was not available at the time of variant classification. Additional details can be found in publication PMID: 35346344, PMCID: PMC8962531

Labcorp Genetics (formerly Invitae), Labcorp
Classification: Likely benign for Hypertrophic cardiomyopathy. Last evaluated: 2023-01-15. Review status: criteria provided, single submitter. Criteria: Invitae Variant Classification Sherloc (09022015). Collection method: clinical testing. Allele origin: germline.

Institute of Human Genetics, University of Wuerzburg
No classification provided. Condition: Hypertrophic cardiomyopathy 2. Review status: no classification provided. Collection method: clinical testing. Allele origin: unknown. Affected: yes. Observed: 1 variant allele. Not counted in ClinVar's aggregate classification.